The following is an entry in ClinVar:

NM_018026.4(PACS1):c.104AGC[3] (p.Gln38_Gln40del)

Gene: PACS1 (phosphofurin acidic cluster sorting protein 1; plus strand). Cytogenetic location: 11q13.1.
Variant type: Microsatellite.
Coding change: c.104AGC[3] on transcript NM_018026.4 (MANE Select); three copies in a row of the 3-base unit AGC starting at c.104; the reference has six copies in a row; three copies, 9 bases deleted.
Protein change: p.Gln38_Gln40del.
Molecular consequence: inframe deletion.
Genome position (GRCh38, 1-based): chr11:66,070,599-66,070,607, AGCAGCAGC deleted; deleting any 9 consecutive bases within chr11:66,070,588-66,070,607 gives the same sequence; the position shown is the placement nearest the transcript's 3' end. VCF-style (leftmost placement, unchanged base first): chr11-66070587-CGCAGCAGCA-C. GRCh37 (hg19) VCF-style: chr11-65838058-CGCAGCAGCA-C.
Identifiers: ClinVar variation 2740001 (VCV002740001.3), dbSNP rs749515977, ClinGen allele CA2574883439.

ClinVar aggregate classification (germline): Uncertain significance (1 of 4 stars; one submission).

Conditions:
Schuurs-Hoeijmakers syndrome. Also called: PACS1-Related Neurodevelopmental Disorder. Identifiers: Orphanet 329224, MedGen C3554343, MONDO:0014006, OMIM 615009.

Submission:

Labcorp Genetics (formerly Invitae), Labcorp
Classification: Uncertain significance for Schuurs-Hoeijmakers syndrome. Last evaluated: 2023-02-09. Review status: criteria provided, single submitter. Criteria: Invitae Variant Classification Sherloc (09022015). Collection method: clinical testing. Allele origin: germline.
Comment: This variant is not present in population databases (gnomAD no frequency). In summary, the available evidence is currently insufficient to determine the role of this variant in disease. Therefore, it has been classified as a Variant of Uncertain Significance. This variant has not been reported in the literature in individuals affected with PACS1-related conditions. Experimental studies and prediction algorithms are not available or were not evaluated, and the functional significance of this variant is currently unknown. This variant, c.113_121del, results in the deletion of 3 amino acid(s) of the PACS1 protein (p.Gln38_Gln40del), but otherwise preserves the integrity of the reading frame.